The following is an entry in ClinVar:

ClinVar aggregate classification (germline): Benign/Likely benign. Review status: criteria provided, multiple submitters, no conflicts (2 of 4 stars). 4 submissions from 4 submitters: Benign (1); Likely benign (2). 1 of the submissions does not count toward it. Last evaluated 2026-01-31.

Conditions:
UNC80-related disorder. Also called: UNC80-related condition.

Allele frequency attached by ClinVar (database versions not stated): gnomAD exomes 0.00273; ExAC 0.00401; ESP Exome Variant Server 0.00810; gnomAD 0.01087 and 0.01165; TOPMed 0.01277; 1000 Genomes Project 0.01338; 1000 Genomes Project 30x 0.01343.
gnomAD v4.1: 3,577 of 1,551,362 alleles (0.23%); highest among the groups gnomAD compares: African/African-American, 3.6%; 48 homozygotes.

Submissions (4):

Labcorp Genetics (formerly Invitae), Labcorp
Classification: Benign. Last evaluated: 2026-01-31. Review status: criteria provided, single submitter. Criteria: Invitae Variant Classification Sherloc (09022015). Collection method: clinical testing. Allele origin: germline.

Center for Pediatric Genomic Medicine, Children's Mercy Hospital and Clinics
Classification: Likely benign. Last evaluated: 2017-04-19. Review status: criteria provided, single submitter. Criteria: ACMG Guidelines, 2015. Collection method: clinical testing. Allele origin: germline.

Breakthrough Genomics
Classification: Likely benign. Review status: criteria provided, single submitter. Criteria: ACMG Guidelines, 2015. Collection method: not provided. Allele origin: germline. Inheritance: Autosomal recessive inheritance. Affected: yes.

PreventionGenetics, part of Exact Sciences
Classification: Benign for UNC80-related condition. Last evaluated: 2019-04-25. Review status: no assertion criteria provided. Collection method: clinical testing. Allele origin: germline. Not counted in ClinVar's aggregate classification.
Comment: This variant is classified as benign based on ACMG/AMP sequence variant interpretation guidelines (Richards et al. 2015 PMID: 25741868, with internal and published modifications).

NM_001371986.1(UNC80):c.9503C>T (p.Pro3168Leu)

Gene: UNC80 (unc-80 subunit of NALCN channel complex; plus strand). Cytogenetic location: 2q34.
Variant type: single nucleotide variant.
Coding change: c.9503C>T on transcript NM_001371986.1 (MANE Select); coding-DNA position 9503, C replaced by T.
Protein change: p.Pro3168Leu; replaces proline 3168 with leucine.
Molecular consequence: missense variant.
Genome position (GRCh38, 1-based): chr2:209,993,421, C>T. VCF-style: chr2-209993421-C-T. GRCh37 (hg19) VCF-style: chr2-210858145-C-T.
Other names: c.9305C>T, p.Pro3102Leu (NM_032504.2); c.9233C>T, p.Pro3078Leu (NM_182587.4); short protein forms P3102L, P3078L, P3168L.
Identifiers: ClinVar variation 445867 (VCV000445867.16), dbSNP rs61271372, ClinGen allele CA2083683.